The following is an entry in ClinVar:

NM_001371623.1(TCOF1):c.2000G>A (p.Arg667Gln)

Gene: TCOF1 (treacle ribosome biogenesis factor 1; plus strand). Cytogenetic location: 5q32.
Variant type: single nucleotide variant.
Coding change: c.2000G>A on transcript NM_001371623.1 (MANE Select); coding-DNA position 2000, G replaced by A.
Protein change: p.Arg667Gln; replaces arginine 667 with glutamine.
Molecular consequence: missense variant.
Genome position (GRCh38, 1-based): chr5:150,376,188, G>A. VCF-style: chr5-150376188-G-A. GRCh37 (hg19) VCF-style: chr5-149755751-G-A.
Other names: c.1769G>A, p.Arg590Gln (NM_000356.4, NM_001135245.2); c.2000G>A, p.Arg667Gln (NM_001008657.3, NM_001135243.2, NM_001135244.2 and 1 more transcripts); short protein forms R590Q, R667Q.
Identifiers: ClinVar variation 515865 (VCV000515865.37), dbSNP rs146735293, ClinGen allele CA3511077.

ClinVar aggregate classification (germline): Benign/Likely benign. Review status: criteria provided, multiple submitters, no conflicts (2 of 4 stars). 5 submissions from 5 submitters: Benign (1); Likely benign (3). 1 of the submissions does not count toward it. Last evaluated 2025-12-29.

Conditions:
Treacher Collins syndrome 1 (TCS1). Also called: TCOF1-Related Treacher Collins Syndrome. Identifiers: Orphanet 861, MedGen CN315775, MONDO:0007944, OMIM 154500.
TCOF1-related disorder. Also called: TCOF1-related condition.

Allele frequency attached by ClinVar (database versions not stated): TOPMed 0.00059; ESP Exome Variant Server 0.00077; gnomAD 0.00032.
gnomAD v4.1: 1,336 of 1,614,070 alleles (0.083%); highest among the groups gnomAD compares: Non-Finnish European, 0.11%; 1 homozygote.

Submissions (5):

Labcorp Genetics (formerly Invitae), Labcorp
Classification: Likely benign for Treacher Collins syndrome 1. Last evaluated: 2025-12-29. Review status: criteria provided, single submitter. Criteria: Invitae Variant Classification Sherloc (09022015). Collection method: clinical testing. Allele origin: germline.

Blueprint Genetics
Classification: Likely benign. Last evaluated: 2024-11-25. Review status: criteria provided, single submitter. Criteria: ACMG Guidelines, 2015. Collection method: clinical testing. Allele origin: germline.

CeGaT Center for Human Genetics Tuebingen
Classification: Likely benign. Last evaluated: 2023-01-01. Review status: criteria provided, single submitter. Criteria: CeGaT Center For Human Genetics Tuebingen Variant Classification Criteria Version 2. Collection method: clinical testing. Allele origin: germline. Affected: yes. Observed: 2 variant alleles.
Comment: TCOF1: BP4, BS2

GeneDx
Classification: Benign. Last evaluated: 2019-12-09. Review status: criteria provided, single submitter. Criteria: GeneDx Variant Classification Process June 2021. Collection method: clinical testing. Allele origin: germline. Affected: yes.

PreventionGenetics, part of Exact Sciences
Classification: Likely benign for TCOF1-related condition. Last evaluated: 2023-01-18. Review status: no assertion criteria provided. Collection method: clinical testing. Allele origin: germline. Not counted in ClinVar's aggregate classification.
Comment: This variant is classified as likely benign based on ACMG/AMP sequence variant interpretation guidelines (Richards et al. 2015 PMID: 25741868, with internal and published modifications).